The following is an entry in ClinVar:

ClinVar aggregate classification (germline): Benign. Review status: criteria provided, multiple submitters, no conflicts (2 of 4 stars). 2 submissions from 2 submitters: Benign (2). Last evaluated 2018-01-13.

Conditions:
Neonatal diabetes mellitus with congenital hypothyroidism. Also called: NDH SYNDROME. Identifiers: Orphanet 79118, MedGen C1857775, MONDO:0012436, OMIM 610199.

Allele frequency attached by ClinVar (database versions not stated): TOPMed 0.01627; 1000 Genomes Project 30x 0.02077; 1000 Genomes Project 0.02097.

Submissions (2):

Illumina Laboratory Services, Illumina
Classification: Benign for Neonatal diabetes mellitus with congenital hypothyroidism. Last evaluated: 2018-01-13. Review status: criteria provided, single submitter. Criteria: ICSL Variant Classification Criteria 13 December 2019. Collection method: clinical testing. Allele origin: germline.
Comment: This variant was observed in the ICSL laboratory as part of a predisposition screen in an ostensibly healthy population. It had not been previously curated by ICSL or reported in the Human Gene Mutation Database (HGMD: prior to June 1st, 2018), and was therefore a candidate for classification through an automated scoring system. Utilizing variant allele frequency, disease prevalence and penetrance estimates, and inheritance mode, an automated score was calculated to assess if this variant is too frequent to cause the disease. Based on the score and internal cut-off values, a variant classified as benign is not then subjected to further curation. The score for this variant resulted in a classification of benign for this disease.

Breakthrough Genomics
Classification: Benign. Review status: criteria provided, single submitter. Criteria: ACMG Guidelines, 2015. Collection method: not provided. Allele origin: germline. Inheritance: Autosomal recessive inheritance. Affected: yes.

NM_001042413.2(GLIS3):c.-270C>A

Genes: GLIS3-AS2 (GLIS3 antisense RNA 2; plus strand), GLIS3 (GLIS family zinc finger 3; minus strand). Cytogenetic location: 9p24.2.
Variant type: single nucleotide variant.
Coding change: c.-270C>A on transcript NM_001042413.2 (MANE Select); 270 bases upstream of the start codon, C replaced by A.
Molecular consequence: 5 prime UTR variant.
Genome position (GRCh38, 1-based): chr9:4,299,592, G>T on the plus strand (C>A on the coding strand, the complement: GLIS3 is on the minus strand). VCF-style: chr9-4299592-G-T. GRCh37 (hg19) VCF-style: chr9-4299592-G-T.
Identifiers: ClinVar variation 367011 (VCV000367011.6), dbSNP rs73641408, ClinGen allele CA10630198.